The following is an entry in ClinVar:

ClinVar aggregate classification (germline): Benign. Review status: criteria provided, multiple submitters, no conflicts (2 of 4 stars). 10 submissions from 9 submitters: Benign (8). 2 of the submissions do not count toward it. Last evaluated 2026-05-08.

Conditions:
Ellis-van Creveld syndrome (EVC). Also called: Chondroectodermal dysplasia; MESOECTODERMAL DYSPLASIA. Identifiers: Orphanet 289, MedGen C0013903, MONDO:0009162, OMIM 225500.
Curry-Hall syndrome (WAD). Also called: WEYERS ACRODENTAL DYSOSTOSIS. Identifiers: Orphanet 952, MedGen C0457013, MONDO:0008673, OMIM 193530.

Allele frequency attached by ClinVar (database versions not stated): 1000 Genomes Project 0.53375; 1000 Genomes Project 30x 0.53545; TOPMed 0.58590; ExAC 0.60994; ESP Exome Variant Server 0.61279; gnomAD 0.61437.
gnomAD v4.1: 964,603 of 1,600,302 alleles (60%); highest among the groups gnomAD compares: African/African-American, 63%; 294,057 homozygotes.

Submissions (10):

Women's Health and Genetics/Laboratory Corporation of America, LabCorp
Classification: Benign. Last evaluated: 2026-05-08. Review status: criteria provided, single submitter. Criteria: LabCorp Variant Classification Summary - May 2015. Collection method: clinical testing. Allele origin: germline.

Blueprint Genetics
Classification: Benign. Last evaluated: 2024-11-26. Review status: criteria provided, single submitter. Criteria: ACMG Guidelines, 2015. Collection method: clinical testing. Allele origin: germline.

Genome-Nilou Lab
Classification: Benign for Curry-Hall syndrome. Last evaluated: 2021-07-30. Review status: criteria provided, single submitter. Criteria: ACMG Guidelines, 2015. Collection method: clinical testing. Allele origin: germline. Affected: no.

Genome-Nilou Lab
Classification: Benign for Ellis-van Creveld syndrome. Last evaluated: 2021-07-30. Review status: criteria provided, single submitter. Criteria: ACMG Guidelines, 2015. Collection method: clinical testing. Allele origin: germline. Affected: no.

Illumina Laboratory Services, Illumina
Classification: Benign for Ellis-van Creveld syndrome. Last evaluated: 2018-01-13. Review status: criteria provided, single submitter. Criteria: ICSL Variant Classification Criteria 13 December 2019. Collection method: clinical testing. Allele origin: germline.
Comment: This variant was observed in the ICSL laboratory as part of a predisposition screen in an ostensibly healthy population. It had not been previously curated by ICSL or reported in the Human Gene Mutation Database (HGMD: prior to June 1st, 2018), and was therefore a candidate for classification through an automated scoring system. Utilizing variant allele frequency, disease prevalence and penetrance estimates, and inheritance mode, an automated score was calculated to assess if this variant is too frequent to cause the disease. Based on the score and internal cut-off values, a variant classified as benign is not then subjected to further curation. The score for this variant resulted in a classification of benign for this disease.

GeneDx
Classification: Benign. Last evaluated: 2016-03-29. Review status: criteria provided, single submitter. Criteria: GeneDx Variant Classification (06012015). Collection method: clinical testing. Allele origin: germline. Affected: yes.
Comment: This variant is considered likely benign or benign based on one or more of the following criteria: it is a conservative change, it occurs at a poorly conserved position in the protein, it is predicted to be benign by multiple in silico algorithms, and/or has population frequency not consistent with disease.

Breakthrough Genomics
Classification: Benign. Review status: criteria provided, single submitter. Criteria: ACMG Guidelines, 2015. Collection method: not provided. Allele origin: germline. Inheritance: Autosomal recessive inheritance. Affected: yes.

PreventionGenetics, part of Exact Sciences
Classification: Benign. Review status: criteria provided, single submitter. Criteria: ACMG Guidelines, 2015. Collection method: clinical testing. Allele origin: germline.

Diagnostic Laboratory, Department of Genetics, University Medical Center Groningen
Classification: Benign. Review status: no assertion criteria provided. Collection method: clinical testing. Allele origin: germline. Affected: yes. Study: VKGL Data-share Consensus. Not counted in ClinVar's aggregate classification.

Joint Genome Diagnostic Labs from Nijmegen and Maastricht, Radboudumc and MUMC+
Classification: Benign. Review status: no assertion criteria provided. Collection method: clinical testing. Allele origin: germline. Affected: yes. Study: VKGL Data-share Consensus. Not counted in ClinVar's aggregate classification.

NM_153717.3(EVC):c.*14G>A

Gene: EVC (EvC ciliary complex subunit 1; plus strand). Cytogenetic location: 4p16.2.
Variant type: single nucleotide variant.
Coding change: c.*14G>A on transcript NM_153717.3 (MANE Select); 14 bases downstream of the stop codon, G replaced by A.
Molecular consequence: 3 prime UTR variant.
Genome position (GRCh38, 1-based): chr4:5,811,051, G>A. VCF-style: chr4-5811051-G-A. GRCh37 (hg19) VCF-style: chr4-5812778-G-A.
Other names: c.*14G>A (NM_001306090.2).
Identifiers: ClinVar variation 262759 (VCV000262759.19), dbSNP rs2291151, ClinGen allele CA2836783.